The following is an entry in ClinVar:

NM_001142864.4(PIEZO1):c.5400G>T (p.Leu1800=)

Gene: PIEZO1 (piezo type mechanosensitive ion channel component 1 (Er blood group); minus strand). Cytogenetic location: 16q24.3.
Variant type: single nucleotide variant.
Coding change: c.5400G>T on transcript NM_001142864.4 (MANE Select); coding-DNA position 5400, G replaced by T.
Protein change: p.Leu1800=; no amino-acid change (leucine 1800 retained).
Molecular consequence: synonymous variant.
Genome position (GRCh38, 1-based): chr16:88,721,541, C>A on the plus strand (G>T on the coding strand, the complement: PIEZO1 is on the minus strand). VCF-style: chr16-88721541-C-A. GRCh37 (hg19) VCF-style: chr16-88787949-C-A.
Other names: c.3942G>T, p.Leu1314= (NM_014745.1).
Identifiers: ClinVar variation 3036018 (VCV003036018.2), dbSNP rs575669681, ClinGen allele CA497365207.

ClinVar aggregate classification (germline): Likely benign (0 of 4 stars; one submission).

Conditions:
PIEZO1-related disorder. Also called: PIEZO1-related condition; PIEZO1-Related Disorders.

Submission:

PreventionGenetics, part of Exact Sciences
Classification: Likely benign for PIEZO1-related condition. Last evaluated: 2020-07-24. Review status: no assertion criteria provided. Collection method: clinical testing. Allele origin: germline.
Comment: This variant is classified as likely benign based on ACMG/AMP sequence variant interpretation guidelines (Richards et al. 2015 PMID: 25741868, with internal and published modifications).